The following is an entry in ClinVar:

ClinVar aggregate classification (germline): Uncertain significance (1 of 4 stars; one submission).

Conditions:
Inborn genetic diseases. Identifiers: MedGen C0950123, MeSH D030342.

Allele frequency attached by ClinVar (database versions not stated): gnomAD exomes below 0.00001; ExAC 0.00001.
gnomAD v4.1: 5 of 1,613,632 alleles (0.00031%); highest among the groups gnomAD compares: Non-Finnish European, 0.00034%; no homozygotes.

Submission:

Ambry Genetics
Classification: Uncertain significance for Inborn genetic diseases. Last evaluated: 2021-04-08. Review status: criteria provided, single submitter. Criteria: Ambry Variant Classification Scheme 2023. Collection method: clinical testing. Allele origin: germline.
Comment: The p.V752G variant (also known as c.2255T>G), located in coding exon 12 of the SPG11 gene, results from a T to G substitution at nucleotide position 2255. The valine at codon 752 is replaced by glycine, an amino acid with dissimilar properties. This amino acid position is highly conserved in available vertebrate species. In addition, this alteration is predicted to be deleterious by in silico analysis. Since supporting evidence is limited at this time, the clinical significance of this alteration remains unclear.

NM_025137.4(SPG11):c.2255T>G (p.Val752Gly)

Gene: SPG11 (SPG11 vesicle trafficking associated, spatacsin; minus strand). Cytogenetic location: 15q21.1.
Variant type: single nucleotide variant.
Coding change: c.2255T>G on transcript NM_025137.4 (MANE Select); coding-DNA position 2255, T replaced by G.
Protein change: p.Val752Gly; replaces valine 752 with glycine.
Molecular consequence: missense variant.
Genome position (GRCh38, 1-based): chr15:44,622,789, A>C on the plus strand (T>G on the coding strand, the complement: SPG11 is on the minus strand). VCF-style: chr15-44622789-A-C. GRCh37 (hg19) VCF-style: chr15-44914987-A-C.
Other names: c.2255T>G, p.Val752Gly (NM_001160227.2, NM_001411132.1); short protein forms V752G.
Identifiers: ClinVar variation 1788521 (VCV001788521.2), dbSNP rs749685928, ClinGen allele CA7535303.